The following is an entry in ClinVar:

NM_013336.4(SEC61A1):c.468T>C (p.Phe156=)

Gene: SEC61A1 (SEC61 translocon subunit alpha 1; plus strand). Cytogenetic location: 3q21.3.
Variant type: single nucleotide variant.
Coding change: c.468T>C on transcript NM_013336.4 (MANE Select); coding-DNA position 468, T replaced by C.
Protein change: p.Phe156=; no amino-acid change (phenylalanine 156 retained).
Molecular consequence: synonymous variant.
Genome position (GRCh38, 1-based): chr3:128,060,513, T>C. VCF-style: chr3-128060513-T-C. GRCh37 (hg19) VCF-style: chr3-127779356-T-C.
Identifiers: ClinVar variation 791951 (VCV000791951.35), dbSNP rs150297407, ClinGen allele CA2598416.

ClinVar aggregate classification (germline): Benign/Likely benign. Review status: criteria provided, multiple submitters, no conflicts (2 of 4 stars). 3 submissions from 3 submitters: Benign (2); Likely benign (1). Last evaluated 2026-01-18.

Allele frequency attached by ClinVar (database versions not stated): gnomAD exomes 0.00016 and 0.00042; ExAC 0.00052; ESP Exome Variant Server 0.00154; gnomAD 0.00161 and 0.00175; TOPMed 0.00180; 1000 Genomes Project 30x 0.00234; 1000 Genomes Project 0.00240.
gnomAD v4.1: 497 of 1,614,182 alleles (0.031%); highest among the groups gnomAD compares: African/African-American, 0.56%; 2 homozygotes.

Submissions (3):

Labcorp Genetics (formerly Invitae), Labcorp
Classification: Benign. Last evaluated: 2026-01-18. Review status: criteria provided, single submitter. Criteria: Invitae Variant Classification Sherloc (09022015). Collection method: clinical testing. Allele origin: germline.

Blueprint Genetics
Classification: Likely benign. Last evaluated: 2024-06-11. Review status: criteria provided, single submitter. Criteria: ACMG Guidelines, 2015. Collection method: clinical testing. Allele origin: germline.

CeGaT Center for Human Genetics Tuebingen
Classification: Benign. Last evaluated: 2022-04-01. Review status: criteria provided, single submitter. Criteria: CeGaT Center For Human Genetics Tuebingen Variant Classification Criteria Version 2. Collection method: clinical testing. Allele origin: germline. Affected: yes. Observed: 1 variant allele.
Comment: SEC61A1: BS1, BS2